The following is an entry in ClinVar:

NM_015192.4(PLCB1):c.564T>A (p.Ala188=)

Gene: PLCB1 (phospholipase C beta 1; plus strand). Cytogenetic location: 20p12.3.
Variant type: single nucleotide variant.
Coding change: c.564T>A on transcript NM_015192.4 (MANE Select); coding-DNA position 564, T replaced by A.
Protein change: p.Ala188=; no amino-acid change (alanine 188 retained).
Molecular consequence: synonymous variant.
Genome position (GRCh38, 1-based): chr20:8,649,419, T>A. VCF-style: chr20-8649419-T-A. GRCh37 (hg19) VCF-style: chr20-8630066-T-A.
Other names: c.564T>A, p.Ala188= (NM_182734.3).
Identifiers: ClinVar variation 589868 (VCV000589868.76), dbSNP rs775374724, ClinGen allele CA9759735.

ClinVar aggregate classification (germline): Likely benign. Review status: criteria provided, multiple submitters, no conflicts (2 of 4 stars). 4 submissions from 4 submitters: Likely benign (4). Last evaluated 2025-08-01.

Conditions:
Inborn genetic diseases. Identifiers: MedGen C0950123, MeSH D030342.
Developmental and epileptic encephalopathy, 12 (DEE12). Identifiers: MedGen C3150988, MONDO:0013389, OMIM 613722.

Allele frequency attached by ClinVar (database versions not stated): ExAC 0.00001; gnomAD 0.00001 and 0.00003; gnomAD exomes 0.00001; TOPMed 0.00001.
gnomAD v4.1: 28 of 1,613,228 alleles (0.0017%); highest among the groups gnomAD compares: East Asian, 0.013%; no homozygotes.

Submissions (4):

CeGaT Center for Human Genetics Tuebingen
Classification: Likely benign. Last evaluated: 2025-08-01. Review status: criteria provided, single submitter. Criteria: CeGaT Center For Human Genetics Tuebingen Variant Classification Criteria Version 2. Collection method: clinical testing. Allele origin: germline. Affected: yes. Observed: 2 variant alleles.
Comment: PLCB1: BP4, BP7

Blueprint Genetics
Classification: Likely benign. Last evaluated: 2024-09-17. Review status: criteria provided, single submitter. Criteria: ACMG Guidelines, 2015. Collection method: clinical testing. Allele origin: germline.

Labcorp Genetics (formerly Invitae), Labcorp
Classification: Likely benign for Developmental and epileptic encephalopathy, 12. Last evaluated: 2022-12-29. Review status: criteria provided, single submitter. Criteria: Invitae Variant Classification Sherloc (09022015). Collection method: clinical testing. Allele origin: germline.

Ambry Genetics
Classification: Likely benign for Inborn genetic diseases. Last evaluated: 2016-07-28. Review status: criteria provided, single submitter. Criteria: Ambry Variant Classification Scheme 2023. Collection method: clinical testing. Allele origin: germline.